The following is an entry in ClinVar:

ClinVar aggregate classification (germline): Uncertain significance. Review status: criteria provided, multiple submitters, no conflicts (2 of 4 stars). 3 submissions from 3 submitters: Uncertain significance (3). Last evaluated 2025-11-06.

Conditions:
Hereditary cancer-predisposing syndrome. Also called: Hereditary neoplastic syndrome; Neoplastic Syndromes, Hereditary; Tumor predisposition; Hereditary Cancer Syndrome. Identifiers: Orphanet 140162, MedGen C0027672, MeSH D009386, MONDO:0015356.
Hereditary diffuse gastric adenocarcinoma (HDGC). Also called: DIFFUSE GASTRIC AND LOBULAR BREAST CANCER SYNDROME. Identifiers: Orphanet 26106, MedGen C1708349, MONDO:0007648, OMIM 137215.

Submissions (3):

Ambry Genetics
Classification: Uncertain significance for Hereditary cancer-predisposing syndrome. Last evaluated: 2025-11-06. Review status: criteria provided, single submitter. Criteria: Ambry Variant Classification Scheme 2023. Collection method: clinical testing. Allele origin: germline.
Comment: The p.L343V variant (also known as c.1027C>G), located in coding exon 8 of the CDH1 gene, results from a C to G substitution at nucleotide position 1027. The leucine at codon 343 is replaced by valine, an amino acid with highly similar properties. This amino acid position is highly conserved in available vertebrate species. In addition, the in silico prediction for this alteration is inconclusive. Based on the available evidence, the clinical significance of this variant remains unclear.

Labcorp Genetics (formerly Invitae), Labcorp
Classification: Uncertain significance for Hereditary diffuse gastric adenocarcinoma. Last evaluated: 2025-01-14. Review status: criteria provided, single submitter. Criteria: Invitae Variant Classification Sherloc (09022015). Collection method: clinical testing. Allele origin: germline.
Comment: This sequence change replaces leucine, which is neutral and non-polar, with valine, which is neutral and non-polar, at codon 343 of the CDH1 protein (p.Leu343Val). This variant is not present in population databases (gnomAD no frequency). This variant has not been reported in the literature in individuals affected with CDH1-related conditions. ClinVar contains an entry for this variant (Variation ID: 463696). An algorithm developed to predict the effect of missense changes on protein structure and function (PolyPhen-2) suggests that this variant is likely to be disruptive. In summary, the available evidence is currently insufficient to determine the role of this variant in disease. Therefore, it has been classified as a Variant of Uncertain Significance.

Color Diagnostics, LLC DBA Color Health
Classification: Uncertain significance for Hereditary cancer-predisposing syndrome. Last evaluated: 2022-12-21. Review status: criteria provided, single submitter. Criteria: ACMG Guidelines, 2015. Collection method: clinical testing. Allele origin: germline.
Comment: This missense variant replaces leucine with valine at codon 343 of the CDH1 protein. To our knowledge, functional studies have not been reported for this variant. This variant has not been reported in individuals affected with CDH1-related disorders in the literature. This variant has not been identified in the general population by the Genome Aggregation Database (gnomAD). The available evidence is insufficient to determine the role of this variant in disease conclusively. Therefore, this variant is classified as a Variant of Uncertain Significance.

NM_004360.5(CDH1):c.1027C>G (p.Leu343Val)

Gene: CDH1 (cadherin 1; plus strand). Cytogenetic location: 16q22.1.
Variant type: single nucleotide variant.
Coding change: c.1027C>G on transcript NM_004360.5 (MANE Select); coding-DNA position 1027, C replaced by G.
Protein change: p.Leu343Val; replaces leucine 343 with valine.
Molecular consequence: missense variant. On other transcripts: 5 prime UTR variant (2).
Genome position (GRCh38, 1-based): chr16:68,812,153, C>G. VCF-style: chr16-68812153-C-G. GRCh37 (hg19) VCF-style: chr16-68846056-C-G.
Other names: c.1027C>G (LRG_301t1); c.1027C>G, p.Leu343Val (NM_001317184.2); c.-589C>G (NM_001317185.2); c.-793C>G (NM_001317186.2); short protein forms L343V.
Identifiers: ClinVar variation 463696 (VCV000463696.13), dbSNP rs1555515720, ClinGen allele CA396459952.
Genomic context (GRCh38, chr16:68,812,153, plus strand): 5'-AGTGTTCCTGGTCCTGACTTGGTTGTGTCGATCTCTCTGCAGAGTTTCCCTACGTATACC[C>G]TGGTGGTTCAAGCTGCTGACCTTCAAGGTGAGGGGTTAAGCACAACAGCAACAGCTGTGA-3'
Protein context (NP_004351.1, residues 333-353): LDRESFPTYT[Leu343Val]VVQAADLQGE